The following is an entry in ClinVar:

NM_001365480.1(CCDC88A):c.941C>T (p.Ala314Val)

Gene: CCDC88A (coiled-coil and HOOK domain protein 88A; minus strand). Cytogenetic location: 2p16.1.
Variant type: single nucleotide variant.
Coding change: c.941C>T on transcript NM_001365480.1 (MANE Select); coding-DNA position 941, C replaced by T.
Protein change: p.Ala314Val; replaces alanine 314 with valine.
Molecular consequence: missense variant.
Genome position (GRCh38, 1-based): chr2:55,346,275, G>A on the plus strand (C>T on the coding strand, the complement: CCDC88A is on the minus strand). VCF-style: chr2-55346275-G-A. GRCh37 (hg19) VCF-style: chr2-55573411-G-A.
Other names: c.941C>T, p.Ala314Val (NM_001135597.2, NM_001254943.2, NM_018084.5); short protein forms A314V.
Identifiers: ClinVar variation 2697251 (VCV002697251.3), dbSNP rs2544879595, ClinGen allele CA346907105.

ClinVar aggregate classification (germline): Uncertain significance (1 of 4 stars; one submission).

Submission:

Labcorp Genetics (formerly Invitae), Labcorp
Classification: Uncertain significance. Last evaluated: 2024-02-01. Review status: criteria provided, single submitter. Criteria: Invitae Variant Classification Sherloc (09022015). Collection method: clinical testing. Allele origin: germline.
Comment: This sequence change replaces alanine, which is neutral and non-polar, with valine, which is neutral and non-polar, at codon 314 of the CCDC88A protein (p.Ala314Val). This variant is not present in population databases (gnomAD no frequency). This variant has not been reported in the literature in individuals affected with CCDC88A-related conditions. An algorithm developed to predict the effect of missense changes on protein structure and function (PolyPhen-2) suggests that this variant is likely to be tolerated. In summary, the available evidence is currently insufficient to determine the role of this variant in disease. Therefore, it has been classified as a Variant of Uncertain Significance.